The following is an entry in ClinVar:

ClinVar aggregate classification (germline): Benign/Likely benign. Review status: criteria provided, multiple submitters, no conflicts (2 of 4 stars). 2 submissions from 2 submitters: Benign (1); Likely benign (1). Last evaluated 2025-01-15.

Conditions:
Multiple endocrine neoplasia, type 1 (MEN1). Also called: MEN I; WERMER SYNDROME; Endocrine adenomatosis multiple; MEN 1; MEA I. Identifiers: Orphanet 652, MedGen C0025267, MeSH D018761, MONDO:0007540, OMIM 131100.
Hereditary cancer-predisposing syndrome. Also called: Hereditary Cancer Syndrome; Hereditary neoplastic syndrome; Tumor predisposition; Neoplastic Syndromes, Hereditary. Identifiers: Orphanet 140162, MedGen C0027672, MeSH D009386, MONDO:0015356.

Submissions (2):

Ambry Genetics
Classification: Likely benign for Hereditary cancer-predisposing syndrome. Last evaluated: 2025-01-15. Review status: criteria provided, single submitter. Criteria: Ambry Variant Classification Scheme 2023. Collection method: clinical testing. Allele origin: germline.

Myriad Genetics, Inc.
Classification: Benign for Multiple endocrine neoplasia, type 1. Last evaluated: 2024-11-04. Review status: criteria provided, single submitter. Criteria: Myriad Autosomal Dominant, Autosomal Recessive and X-Linked Classification Criteria (2023). Collection method: clinical testing. Allele origin: unknown.
Comment: This variant is considered benign. This variant is a silent/synonymous amino acid change and it is not expected to impact splicing.

NM_001370259.2(MEN1):c.957C>T (p.Tyr319=)

Gene: MEN1 (menin 1; minus strand). Cytogenetic location: 11q13.1.
Variant type: single nucleotide variant.
Coding change: c.957C>T on transcript NM_001370259.2 (MANE Select); coding-DNA position 957, C replaced by T.
Protein change: p.Tyr319=; no amino-acid change (tyrosine 319 retained).
Molecular consequence: synonymous variant. On other transcripts: non-coding transcript variant (4).
Genome position (GRCh38, 1-based): chr11:64,806,324, G>A on the plus strand (C>T on the coding strand, the complement: MEN1 is on the minus strand). VCF-style: chr11-64806324-G-A. GRCh37 (hg19) VCF-style: chr11-64573796-G-A.
Other names: c.972C>T, p.Tyr324= (NM_000244.4, NM_001407145.1, NM_001407150.1 and 5 more transcripts); c.957C>T, p.Tyr319= (NM_001370251.2, NM_001370260.2, NM_001370261.2 and 7 more transcripts); c.852C>T, p.Tyr284= (NM_001370262.2, NM_001370263.2, NM_001407148.1 and 2 more transcripts).
Identifiers: ClinVar variation 3773253 (VCV003773253.2).